The following is an entry in ClinVar:

ClinVar aggregate classification (germline): Pathogenic (1 of 4 stars; one submission).

Conditions:
RPGR-related disorder. Also called: RPGR-related condition.

Submission:

PreventionGenetics, part of Exact Sciences
Classification: Pathogenic for RPGR-related condition. Last evaluated: 2025-01-28. Review status: criteria provided, single submitter. Criteria: ACMG Guidelines, 2015. Collection method: clinical testing. Allele origin: germline.
Comment: The RPGR c.2565delinsGG variant is predicted to result in a frameshift and premature protein termination (p.Lys857Glufs*222). To our knowledge, this variant has not been reported in the literature or in a large population database (gnomAD), indicating this variant is rare. Frameshift variants in RPGR have been well-documented to cause X-linked retinitis pigmentosa (Carss et al. 2017. PubMed ID: 28041643; Martin-Merida et al. 2019. PubMed ID: 30902645). We interpret this variant as pathogenic.

NM_001034853.2(RPGR):c.2565delinsGG (p.Lys857fs)

Gene: RPGR (retinitis pigmentosa GTPase regulator; minus strand). Cytogenetic location: Xp11.4.
Variant type: Indel.
Coding change: c.2565delinsGG on transcript NM_001034853.2 (MANE Select); coding-DNA position 2565, A replaced by GG.
Protein change: p.Lys857fs; shifts the reading frame from lysine 857.
Molecular consequence: frameshift variant. On other transcripts: intron variant (8).
Genome position (GRCh38, 1-based): chrX:38,286,434, T replaced by CC on the plus strand (A replaced by GG on the coding strand, the reverse complement: RPGR is on the minus strand). VCF-style: chrX-38286434-T-CC. GRCh37 (hg19) VCF-style: chrX-38145687-T-CC.
Other names: c.1569+4525delinsGG (NM_001367249.1, NM_001367250.1); c.1902+660delinsGG (NM_001367245.1); c.1386+4525delinsGG (NM_001367251.1); c.1719+660delinsGG (NM_001367246.1); c.1572+4525delinsGG (NM_001367247.1); c.1905+660delinsGG (NM_000328.3); c.1602+4525delinsGG (NM_001367248.1); short protein forms K857fs.
Identifiers: ClinVar variation 5000262 (VCV005000262.1).